The following is an entry in ClinVar:

NM_024301.5(FKRP):c.1183G>A (p.Glu395Lys)

Gene: FKRP (fukutin related protein; plus strand). Cytogenetic location: 19q13.32.
Variant type: single nucleotide variant.
Coding change: c.1183G>A on transcript NM_024301.5 (MANE Select); coding-DNA position 1183, G replaced by A.
Protein change: p.Glu395Lys; replaces glutamic acid 395 with lysine.
Molecular consequence: missense variant.
Genome position (GRCh38, 1-based): chr19:46,756,633, G>A. VCF-style: chr19-46756633-G-A. GRCh37 (hg19) VCF-style: chr19-47259890-G-A.
Other names: c.1183G>A, p.Glu395Lys (NM_001039885.3); short protein forms E395K.
Identifiers: ClinVar variation 1037672 (VCV001037672.8), dbSNP rs762944990, ClinGen allele CA9532270.

ClinVar aggregate classification (germline): Uncertain significance. Review status: criteria provided, multiple submitters, no conflicts (2 of 4 stars). 3 submissions from 3 submitters: Uncertain significance (3). Last evaluated 2025-01-27.

Conditions:
Walker-Warburg congenital muscular dystrophy. Also called: Muscular dystrophy-dystroglycanopathy, type A; Walker-Warburg syndrome. Identifiers: Orphanet 899, MedGen C0265221, MONDO:0000171.
Cardiovascular phenotype. Identifiers: MedGen CN230736.

Allele frequency attached by ClinVar (database versions not stated): gnomAD exomes below 0.00001; ExAC 0.00001; TOPMed 0.00001.
gnomAD v4.1: 5 of 1,613,262 alleles (0.00031%); highest among the groups gnomAD compares: Non-Finnish European, 0.00034%; no homozygotes.

Submissions (3):

Ambry Genetics
Classification: Uncertain significance for Cardiovascular phenotype. Last evaluated: 2025-01-27. Review status: criteria provided, single submitter. Criteria: Ambry Variant Classification Scheme 2023. Collection method: clinical testing. Allele origin: germline.

GeneDx
Classification: Uncertain significance. Last evaluated: 2023-10-26. Review status: criteria provided, single submitter. Criteria: GeneDx Variant Classification Process June 2021. Collection method: clinical testing. Allele origin: germline. Affected: yes.
Comment: Not observed at significant frequency in large population cohorts (gnomAD); In silico analysis supports that this missense variant has a deleterious effect on protein structure/function; Has not been previously published as pathogenic or benign to our knowledge; This variant is associated with the following publications: (PMID: 27439679)

Labcorp Genetics (formerly Invitae), Labcorp
Classification: Uncertain significance for Walker-Warburg congenital muscular dystrophy. Last evaluated: 2022-07-25. Review status: criteria provided, single submitter. Criteria: Invitae Variant Classification Sherloc (09022015). Collection method: clinical testing. Allele origin: germline.
Comment: This sequence change replaces glutamic acid, which is acidic and polar, with lysine, which is basic and polar, at codon 395 of the FKRP protein (p.Glu395Lys). This variant is present in population databases (rs762944990, gnomAD 0.0009%). This variant has not been reported in the literature in individuals affected with FKRP-related conditions. ClinVar contains an entry for this variant (Variation ID: 1037672). Algorithms developed to predict the effect of missense changes on protein structure and function are either unavailable or do not agree on the potential impact of this missense change (SIFT: "Tolerated"; PolyPhen-2: "Probably Damaging"; Align-GVGD: "Class C0"). In summary, the available evidence is currently insufficient to determine the role of this variant in disease. Therefore, it has been classified as a Variant of Uncertain Significance.